The following is an entry in ClinVar:

NM_014714.4(IFT140):c.3981del (p.Arg1328fs)

Gene: IFT140 (intraflagellar transport 140; minus strand). Cytogenetic location: 16p13.3.
Variant type: Deletion.
Coding change: c.3981del on transcript NM_014714.4 (MANE Select); coding-DNA position 3981, one base deleted (C; older notation c.3981delC).
Protein change: p.Arg1328fs; shifts the reading frame from arginine 1328.
Molecular consequence: frameshift variant.
Genome position (GRCh38, 1-based): chr16:1,519,940, G deleted on the plus strand (C on the coding strand, the reverse complement: IFT140 is on the minus strand); the first of 2 consecutive G bases (chr16:1,519,940-1,519,941); deleting either gives the same sequence. VCF-style (leftmost placement, unchanged base first): chr16-1519939-TG-T. GRCh37 (hg19) VCF-style: chr16-1569940-TG-T.
Other names: short protein forms R1328fs.
Identifiers: ClinVar variation 949370 (VCV000949370.8), dbSNP rs1431530916, ClinGen allele CA620700910.
Genomic context (GRCh38, chr16:1,519,939, plus strand): 5'-ACCTGCGGGCCTGGATGAACCTCTTCACCAGTGCCATCCTGCTCTGCAGCTGCGCCAGCC[TG>T]GTCTCCTGGTCCAGGGGGCTCTTGGCCTTGGCCTTGGCCAGGCACTTGTAGGCCTCGGTC-3'

ClinVar aggregate classification (germline): Pathogenic/Likely pathogenic. Review status: criteria provided, multiple submitters, no conflicts (2 of 4 stars). 2 submissions from 2 submitters: Pathogenic (1); Likely pathogenic (1). Last evaluated 2025-05-19.

Conditions:
Saldino-Mainzer syndrome (SRTD9). Also called: CONORENAL SYNDROME; SHORT-RIB THORACIC DYSPLASIA 9 WITHOUT POLYDACTYLY; short-rib thoracic dysplasia 9 with or without polydactyly; Renal dysplasia, retinal pigmentary dystrophy, cerebellar ataxia and skeletal dysplasia. Identifiers: Orphanet 140969, MedGen C1849437, MONDO:0009964, OMIM 266920.
Retinitis pigmentosa 80 (RP80). Identifiers: MedGen C4540439, MONDO:0054708, OMIM 617781.

Submissions (2):

Labcorp Genetics (formerly Invitae), Labcorp
Classification: Pathogenic for Saldino-Mainzer syndrome. Last evaluated: 2025-05-19. Review status: criteria provided, single submitter. Criteria: Invitae Variant Classification Sherloc (09022015). Collection method: clinical testing. Allele origin: germline.
Comment: This sequence change creates a premature translational stop signal (p.Arg1328Glyfs*12) in the IFT140 gene. It is expected to result in an absent or disrupted protein product. Loss-of-function variants in IFT140 are known to be pathogenic (PMID: 22503633, 23418020, 24009529, 26216056). This variant is present in population databases (no rsID available, gnomAD 0.007%). This variant has not been reported in the literature in individuals affected with IFT140-related conditions. ClinVar contains an entry for this variant (Variation ID: 949370). For these reasons, this variant has been classified as Pathogenic.

Fulgent Genetics
Classification: Likely pathogenic for Saldino-Mainzer syndrome; Retinitis pigmentosa 80. Last evaluated: 2024-06-17. Review status: criteria provided, single submitter. Criteria: ACMG Guidelines, 2015. Collection method: clinical testing. Allele origin: germline.

Literature cited by the submitters: PubMed 22503633 (cited by Labcorp Genetics (formerly Invitae), Labcorp); PubMed 23418020 (cited by Labcorp Genetics (formerly Invitae), Labcorp); PubMed 24009529 (cited by Labcorp Genetics (formerly Invitae), Labcorp); PubMed 26216056 (cited by Labcorp Genetics (formerly Invitae), Labcorp).